The following is an entry in ClinVar:

ClinVar aggregate classification (germline): Uncertain significance. Review status: criteria provided, multiple submitters, no conflicts (2 of 4 stars). 2 submissions from 2 submitters: Uncertain significance (2). Last evaluated 2024-03-11.

Conditions:
Long QT syndrome (LQTS). Identifiers: MedGen C0023976, MeSH D008133, MONDO:0002442. Disease mechanism: loss of function. Inheritance: Various modes of inheritance.

Submissions (2):

Labcorp Genetics (formerly Invitae), Labcorp
Classification: Uncertain significance for Long QT syndrome. Last evaluated: 2024-03-11. Review status: criteria provided, single submitter. Criteria: Invitae Variant Classification Sherloc (09022015). Collection method: clinical testing. Allele origin: germline.
Comment: This sequence change replaces threonine, which is neutral and polar, with isoleucine, which is neutral and non-polar, at codon 127 of the CAV3 protein (p.Thr127Ile). This variant is not present in population databases (gnomAD no frequency). This variant has not been reported in the literature in individuals affected with CAV3-related conditions. ClinVar contains an entry for this variant (Variation ID: 942355). An algorithm developed to predict the effect of missense changes on protein structure and function (PolyPhen-2) suggests that this variant is likely to be disruptive. In summary, the available evidence is currently insufficient to determine the role of this variant in disease. Therefore, it has been classified as a Variant of Uncertain Significance.

Revvity Omics, Revvity
Classification: Uncertain significance. Last evaluated: 2021-05-17. Review status: criteria provided, single submitter. Criteria: ACMG Guidelines, 2015. Collection method: clinical testing. Allele origin: germline.

NM_033337.3(CAV3):c.380C>T (p.Thr127Ile)

Genes: CAV3 (caveolin 3; plus strand), OXTR (oxytocin receptor; minus strand). Cytogenetic location: 3p25.3.
Variant type: single nucleotide variant.
Coding change: c.380C>T on transcript NM_033337.3 (MANE Select); coding-DNA position 380, C replaced by T.
Protein change: p.Thr127Ile; replaces threonine 127 with isoleucine.
Molecular consequence: missense variant.
Genome position (GRCh38, 1-based): chr3:8,745,791, C>T. VCF-style: chr3-8745791-C-T. GRCh37 (hg19) VCF-style: chr3-8787477-C-T.
Other names: c.380C>T, p.Thr127Ile (NM_001234.5); short protein forms T127I.
Identifiers: ClinVar variation 942355 (VCV000942355.9), dbSNP rs878854385, ClinGen allele CA351663647.